The following is an entry in ClinVar:

NM_003865.3(HESX1):c.439C>A (p.Leu147Ile)

Gene: HESX1 (HESX homeobox 1; minus strand). Cytogenetic location: 3p14.3.
Variant type: single nucleotide variant.
Coding change: c.439C>A on transcript NM_003865.3 (MANE Select); coding-DNA position 439, C replaced by A.
Protein change: p.Leu147Ile; replaces leucine 147 with isoleucine.
Molecular consequence: missense variant. On other transcripts: non-coding transcript variant (1).
Genome position (GRCh38, 1-based): chr3:57,198,411, G>T on the plus strand (C>A on the coding strand, the complement: HESX1 is on the minus strand). VCF-style: chr3-57198411-G-T. GRCh37 (hg19) VCF-style: chr3-57232439-G-T.
Other names: c.439C>A, p.Leu147Ile (NM_001376058.1, NM_001376059.1, NM_001376060.1 and 1 more transcripts); c.439C>A (NM_003865.2); short protein forms L147I.
Identifiers: ClinVar variation 2933531 (VCV002933531.5), dbSNP rs1332391074, ClinGen allele CA353400638.

ClinVar aggregate classification (germline): Uncertain significance. Review status: criteria provided, multiple submitters, no conflicts (2 of 4 stars). 3 submissions from 3 submitters: Uncertain significance (3). Last evaluated 2025-02-19.

Conditions:
Inborn genetic diseases. Identifiers: MedGen C0950123, MeSH D030342.
Septo-optic dysplasia sequence (SOD). Also called: DE MORSIER SYNDROME; Septo-optic dysplasia. Identifiers: Orphanet 3157, MedGen C0338503, MONDO:0008428, OMIM 182230, HP:0100842.
GROWTH HORMONE DEFICIENCY WITH PITUITARY ANOMALIES. Identifiers: MedGen C2750027, OMIM 182230.

Allele frequency attached by ClinVar (database versions not stated): gnomAD 0.00001.
gnomAD v4.1: 5 of 1,602,874 alleles (0.00031%); highest among the groups gnomAD compares: Admixed American, 0.0017%; no homozygotes.

Submissions (3):

Ambry Genetics
Classification: Uncertain significance for Inborn genetic diseases. Last evaluated: 2025-02-19. Review status: criteria provided, single submitter. Criteria: Ambry Variant Classification Scheme 2023. Collection method: clinical testing. Allele origin: germline.

Labcorp Genetics (formerly Invitae), Labcorp
Classification: Uncertain significance for GROWTH HORMONE DEFICIENCY WITH PITUITARY ANOMALIES; Septo-optic dysplasia sequence. Last evaluated: 2023-06-10. Review status: criteria provided, single submitter. Criteria: Invitae Variant Classification Sherloc (09022015). Collection method: clinical testing. Allele origin: germline.
Comment: In summary, the available evidence is currently insufficient to determine the role of this variant in disease. Therefore, it has been classified as a Variant of Uncertain Significance. An algorithm developed to predict the effect of missense changes on protein structure and function (PolyPhen-2) suggests that this variant is likely to be disruptive. This variant has not been reported in the literature in individuals affected with HESX1-related conditions. This variant is present in population databases (no rsID available, gnomAD 0.06%). This sequence change replaces leucine, which is neutral and non-polar, with isoleucine, which is neutral and non-polar, at codon 147 of the HESX1 protein (p.Leu147Ile).

Blueprint Genetics
Classification: Uncertain significance. Last evaluated: 2022-04-27. Review status: criteria provided, single submitter. Criteria: ACMG Guidelines, 2015. Collection method: clinical testing. Allele origin: germline.